The following is an entry in ClinVar:

NM_024334.3(TMEM43):c.868G>A (p.Asp290Asn)

Gene: TMEM43 (transmembrane protein 43; plus strand). Cytogenetic location: 3p25.1.
Variant type: single nucleotide variant.
Coding change: c.868G>A on transcript NM_024334.3 (MANE Select); coding-DNA position 868, G replaced by A.
Protein change: p.Asp290Asn; replaces aspartic acid 290 with asparagine.
Molecular consequence: missense variant.
Genome position (GRCh38, 1-based): chr3:14,135,894, G>A. VCF-style: chr3-14135894-G-A. GRCh37 (hg19) VCF-style: chr3-14177394-G-A.
Other names: c.871G>A, p.Asp291Asn (NM_001407274.1); c.865G>A, p.Asp289Asn (NM_001407275.1, NM_001407277.1); c.868G>A, p.Asp290Asn (NM_001407276.1); c.853G>A, p.Asp285Asn (NM_001407278.1); c.793G>A, p.Asp265Asn (NM_001407279.1); c.718G>A, p.Asp240Asn (NM_001407280.1); short protein forms D240N, D265N, D285N, D289N, D290N, D291N.
Identifiers: ClinVar variation 4756464 (VCV004756464.1).

ClinVar aggregate classification (germline): Uncertain significance (1 of 4 stars; one submission).

Conditions:
Cardiomyopathy (CMYO). Also called: Cardiomyopathies. Identifiers: Orphanet 167848, MedGen C0878544, MONDO:0004994, HP:0001638. Inheritance: Various modes of inheritance.

gnomAD v4.1: 2 of 1,614,048 alleles (0.00012%); highest among the groups gnomAD compares: East Asian, 0.0022%; no homozygotes.

Submission:

Color Diagnostics, LLC DBA Color Health
Classification: Uncertain significance for Cardiomyopathy. Last evaluated: 2025-09-18. Review status: criteria provided, single submitter. Criteria: ACMG Guidelines, 2015. Collection method: clinical testing. Allele origin: germline.
Comment: This missense variant replaces aspartic acid with asparagine at codon 290 of the TMEM43 protein. Computational prediction suggests that this variant may not impact protein structure and function. To our knowledge, functional studies have not been reported for this variant. This variant has not been reported in individuals affected with TMEM43-related disorders in the literature. This variant has not been identified in the general population by the Genome Aggregation Database (gnomAD). The available evidence is insufficient to determine the role of this variant in disease conclusively. Therefore, this variant is classified as a Variant of Uncertain Significance.